The following is an entry in ClinVar:

ClinVar aggregate classification (germline): Likely pathogenic. Review status: reviewed by expert panel (3 of 4 stars). 4 submissions from 4 submitters: Likely pathogenic (1). 3 of the submissions do not count toward it. Last evaluated 2025-05-15.

Conditions:
Familial adenomatous polyposis 1 (FAP1). Also called: FAMILIAL ADENOMATOUS POLYPOSIS 1, ATTENUATED; POLYPOSIS, ADENOMATOUS INTESTINAL. Identifiers: MedGen C2713442, MONDO:0021056, OMIM 175100. Disease mechanism: loss of function.
Hereditary cancer-predisposing syndrome. Also called: Neoplastic Syndromes, Hereditary; Tumor predisposition; Hereditary neoplastic syndrome; Hereditary Cancer Syndrome. Identifiers: Orphanet 140162, MedGen C0027672, MeSH D009386, MONDO:0015356.

Submissions (4):

ClinGen InSiGHT Hereditary Colorectal Cancer/Polyposis Variant Curation Expert Panel
Classification: Likely pathogenic for Familial adenomatous polyposis 1. Last evaluated: 2025-05-15. Review status: reviewed by expert panel. Criteria: ClinGen InSiGHT HCCP VCEP ACMG Specifications APC V1. Collection method: curation. Allele origin: germline. Inheritance: Autosomal dominant inheritance.
Comment: The NM_000038.6(APC):c.423-9A>G variant in APC is an intronic variant which is localized in intron 4. This variant has been reported in 2 families meeting phenotypic criteria, resulting in a total phenotype score of 2 (PS4_Moderate, internal data Labcorp Genetics (formerly Invitae)). This variant is absent from gnomAD v2.1.1 (PM2_Supporting). The results from ≥ 2 in silico splicing predictors (SpliceAI, MaxEntScan, VarSeak) indicate that this variant may affect splicing by creating a new acceptor splice site and disrupting the native acceptor splice site of intron 4 of APC, resulting in the insertion of the 8 last bp of intron 4 (PP3). RT-PCR and mini-gene demonstrated that the variant impacts splicing by insertion of the last 8 bp of intron 4 resulting in a premature stop codon (PS3_Moderate, PMID: 24599579). In summary, this variant meets the criteria to be classified as Likely Pathogenic for autosomal-dominant inherited FAP based on the ACMG/AMP criteria applied, as specified by the ClinGen InSiGHT Hereditary Colorectal Cancer/Polyposis VCEP: PS3_Moderate, PS4_Moderate, PM2_Supporting, PP3 (VCEP specifications version v2.1.0; date of approval 11/24/2023).

Ambry Genetics
Classification: Pathogenic for Hereditary cancer-predisposing syndrome. Last evaluated: 2026-02-18. Review status: criteria provided, single submitter. Criteria: Ambry Variant Classification Scheme 2023. Collection method: clinical testing. Allele origin: germline. Not counted in ClinVar's aggregate classification.
Comment: The c.423-9A>G intronic pathogenic mutation results from an A to G substitution 9 nucleotides upstream from coding exon 4 in the APC gene. This variant has been observed in individuals with a personal and/or family history that is consistent with APC-associated disease (Ambry internal data; External communication; Grandval P et al. Hum Mutat 2014 May;35(5):532-6.). This nucleotide position is not well conserved in available vertebrate species. In silico splice site analysis predicts that this alteration will weaken the native splice acceptor site and will result in the creation or strengthening of a novel splice acceptor site. RNA studies have demonstrated that this alteration results in abnormal splicing in the set of samples tested (Ambry internal data; Grandval P et al. Hum Mutat 2014 May;35(5):532-6.). This variant is considered to be rare based on population cohorts in the Genome Aggregation Database (gnomAD). Based on the supporting evidence, this variant is interpreted as a disease-causing mutation.

Myriad Genetics, Inc.
Classification: Likely pathogenic for Familial adenomatous polyposis 1. Last evaluated: 2023-04-26. Review status: criteria provided, single submitter. Criteria: Myriad Autosomal Dominant, Autosomal Recessive and X-Linked Classification Criteria (2023). Collection method: clinical testing. Allele origin: unknown. Not counted in ClinVar's aggregate classification.
Comment: This variant is considered likely pathogenic. mRNA analysis has demonstrated abnormal mRNA splicing occurs [PMID: 24599579, Myriad internal data].

Labcorp Genetics (formerly Invitae), Labcorp
Classification: Pathogenic for Familial adenomatous polyposis 1. Last evaluated: 2022-12-03. Review status: criteria provided, single submitter. Criteria: Invitae Variant Classification Sherloc (09022015). Collection method: clinical testing. Allele origin: germline. Not counted in ClinVar's aggregate classification.
Comment: ClinVar contains an entry for this variant (Variation ID: 469955). For these reasons, this variant has been classified as Pathogenic. Algorithms developed to predict the effect of sequence changes on RNA splicing suggest that this variant may disrupt the consensus splice site. This variant has been observed in individuals with familial adenomatous polyposis (Invitae). It has also been observed to segregate with disease in related individuals. This variant is not present in population databases (gnomAD no frequency). This sequence change falls in intron 4 of the APC gene. It does not directly change the encoded amino acid sequence of the APC protein.

Literature cited by the submitters: PubMed 24599579 (cited by Myriad Genetics, Inc.).

NM_000038.6(APC):c.423-9A>G

Gene: APC (APC regulator of Wnt signaling pathway; plus strand). Cytogenetic location: 5q22.2.
Variant type: single nucleotide variant.
Coding change: c.423-9A>G on transcript NM_000038.6 (MANE Select); 9 bases into the intron before coding-DNA position 423, A replaced by G.
Molecular consequence: intron variant.
Genome position (GRCh38, 1-based): chr5:112,775,620, A>G. VCF-style: chr5-112775620-A-G. GRCh37 (hg19) VCF-style: chr5-112111317-A-G.
Other names: c.423-9A>G (NM_001354895.2, NM_001127510.3, NM_001354896.2 and 2 more transcripts); c.453-9A>G (NM_001354897.2, NM_001354902.2, NM_001127511.3); c.348-9A>G (NM_001354898.2, NM_001354904.2); c.-613-9A>G (NM_001354906.2); c.246-9A>G (NM_001354900.2, NM_001354901.2, NM_001354905.2).
Identifiers: ClinVar variation 469955 (VCV000469955.16), dbSNP rs1554071494, ClinGen allele CA658657473.